The following is an entry in ClinVar:

NM_000085.5(CLCNKB):c.1297+5G>T

Genes: CLCNKB (chloride voltage-gated channel Kb; plus strand), LOC106501713 (CLCNKB recombination region; plus strand). Cytogenetic location: 1p36.13.
Variant type: single nucleotide variant.
Coding change: c.1297+5G>T on transcript NM_000085.5 (MANE Select); 5 bases into the intron after coding-DNA position 1297, G replaced by T.
Molecular consequence: intron variant.
Genome position (GRCh38, 1-based): chr1:16,051,552, G>T. VCF-style: chr1-16051552-G-T. GRCh37 (hg19) VCF-style: chr1-16378047-G-T.
Other names: c.790+5G>T (NM_001165945.2).
Identifiers: ClinVar variation 447090 (VCV000447090.44), dbSNP rs35351345, ClinGen allele CA623778.

ClinVar aggregate classification (germline): Conflicting classifications of pathogenicity. Review status: criteria provided, conflicting classifications (1 of 4 stars). 8 submissions from 8 submitters: Uncertain significance (3); Benign (1); Likely benign (2). 2 of the submissions do not count toward it. Last evaluated 2026-08-11.

Allele frequency attached by ClinVar (database versions not stated): 1000 Genomes Project 0.00359; 1000 Genomes Project 30x 0.00390; gnomAD 0.00522 and 0.00544; TOPMed 0.00554; gnomAD exomes 0.00570; ExAC 0.00576; ESP Exome Variant Server 0.00677.
gnomAD v4.1: 11,382 of 1,614,038 alleles (0.71%); highest among the groups gnomAD compares: Middle Eastern, 0.86%; 47 homozygotes.

Submissions (21):

GeneDx
Classification: Uncertain significance. Last evaluated: 2026-08-11. Review status: criteria provided, single submitter. Criteria: GeneDx Variant Classification Process June 2021. Collection method: clinical testing. Allele origin: germline.
Comment: Intronic +5 splice site variant in a gene for which loss-of-function is a known mechanism of disease, and splice predictors support a deleterious effect; Has not been previously published as pathogenic or benign to our knowledge

CeGaT Center for Human Genetics Tuebingen
Classification: Likely benign. Last evaluated: 2026-02-01. Review status: criteria provided, single submitter. Criteria: CeGaT Center For Human Genetics Tuebingen Variant Classification Criteria Version 2. Collection method: clinical testing. Allele origin: germline. Affected: yes. Observed: 6 variant alleles.
Comment: CLCNKB: PP3, BS2

Labcorp Genetics (formerly Invitae), Labcorp
Classification: Benign. Last evaluated: 2026-01-27. Review status: criteria provided, single submitter. Criteria: Invitae Variant Classification Sherloc (09022015). Collection method: clinical testing. Allele origin: germline.

Mayo Clinic Laboratories, Mayo Clinic
Classification: Uncertain significance. Last evaluated: 2025-12-08. Review status: criteria provided, single submitter. Criteria: ACMG Guidelines, 2015. Collection method: clinical testing. Allele origin: germline. Observed: 4 variant alleles.
Comment: BS1, BS2, PP3

Blueprint Genetics
Classification: Likely benign. Last evaluated: 2024-11-26. Review status: criteria provided, single submitter. Criteria: ACMG Guidelines, 2015. Collection method: clinical testing. Allele origin: germline.

Athena Diagnostics
Classification: Uncertain significance. Last evaluated: 2017-04-03. Review status: criteria provided, single submitter. Criteria: Athena Diagnostics Criteria. Collection method: clinical testing. Allele origin: germline.

Dr. Peter K. Rogan Lab, Western University
No classification provided (evidence only). Condition: Clear cell carcinoma of kidney. Review status: no classification provided. Collection method: in vitro. Allele origin: not applicable. Functional consequence: skipped exon, retained intron. Not counted in ClinVar's aggregate classification.

Dr. Peter K. Rogan Lab, Western University
No classification provided (evidence only). Condition: Lung cancer. Review status: no classification provided. Collection method: in vitro. Allele origin: not applicable. Functional consequence: retained intron. Not counted in ClinVar's aggregate classification.

Dr. Peter K. Rogan Lab, Western University
No classification provided (evidence only). Condition: Uterine corpus endometrial carcinoma. Review status: no classification provided. Collection method: in vitro. Allele origin: not applicable. Functional consequence: retained intron. Not counted in ClinVar's aggregate classification.

Dr. Peter K. Rogan Lab, Western University
No classification provided (evidence only). Condition: Uterine corpus endometrial carcinoma. Review status: no classification provided. Collection method: in vitro. Allele origin: not applicable. Functional consequence: retained intron. Not counted in ClinVar's aggregate classification.

Dr. Peter K. Rogan Lab, Western University
No classification provided (evidence only). Condition: Uterine corpus endometrial carcinoma. Review status: no classification provided. Collection method: in vitro. Allele origin: not applicable. Functional consequence: retained intron. Not counted in ClinVar's aggregate classification.

Dr. Peter K. Rogan Lab, Western University
No classification provided (evidence only). Condition: Nonpapillary renal cell carcinoma. Review status: no classification provided. Collection method: in vitro. Allele origin: not applicable. Functional consequence: retained intron. Not counted in ClinVar's aggregate classification.

Dr. Peter K. Rogan Lab, Western University
No classification provided (evidence only). Condition: Nonpapillary renal cell carcinoma. Review status: no classification provided. Collection method: in vitro. Allele origin: not applicable. Functional consequence: skipped exon, retained intron. Not counted in ClinVar's aggregate classification.

Dr. Peter K. Rogan Lab, Western University
No classification provided (evidence only). Condition: Nonpapillary renal cell carcinoma. Review status: no classification provided. Collection method: in vitro. Allele origin: not applicable. Functional consequence: skipped exon, retained intron. Not counted in ClinVar's aggregate classification.

Dr. Peter K. Rogan Lab, Western University
No classification provided (evidence only). Condition: Thymoma. Review status: no classification provided. Collection method: in vitro. Allele origin: not applicable. Functional consequence: skipped exon, retained intron. Not counted in ClinVar's aggregate classification.

Dr. Peter K. Rogan Lab, Western University
No classification provided (evidence only). Condition: Ovarian serous cystadenocarcinoma. Review status: no classification provided. Collection method: in vitro. Allele origin: not applicable. Functional consequence: retained intron. Not counted in ClinVar's aggregate classification.

Dr. Peter K. Rogan Lab, Western University
No classification provided (evidence only). Condition: Ovarian serous cystadenocarcinoma. Review status: no classification provided. Collection method: in vitro. Allele origin: not applicable. Functional consequence: retained intron. Not counted in ClinVar's aggregate classification.

Dr. Peter K. Rogan Lab, Western University
No classification provided (evidence only). Condition: Ovarian cancer. Review status: no classification provided. Collection method: in vitro. Allele origin: not applicable. Functional consequence: skipped exon, retained intron. Not counted in ClinVar's aggregate classification.

Dr. Peter K. Rogan Lab, Western University
No classification provided (evidence only). Condition: Ovarian cancer. Review status: no classification provided. Collection method: in vitro. Allele origin: not applicable. Functional consequence: retained intron. Not counted in ClinVar's aggregate classification.

Genome Diagnostics Laboratory, University Medical Center Utrecht
Classification: Benign. Review status: no assertion criteria provided. Collection method: clinical testing. Allele origin: germline. Affected: yes. Study: VKGL Data-share Consensus. Not counted in ClinVar's aggregate classification.

Joint Genome Diagnostic Labs from Nijmegen and Maastricht, Radboudumc and MUMC+
Classification: Likely benign. Review status: no assertion criteria provided. Collection method: clinical testing. Allele origin: germline. Affected: yes. Study: VKGL Data-share Consensus. Not counted in ClinVar's aggregate classification.